The following is an entry in ClinVar:

ClinVar aggregate classification (germline): Pathogenic. Review status: criteria provided, multiple submitters, no conflicts (2 of 4 stars). 2 submissions from 2 submitters: Pathogenic (2). Last evaluated 2026-04-14.

Conditions:
Familial intrahepatic cholestasis. Identifiers: Orphanet 284385, MedGen CN296401, MONDO:0017290.
Progressive familial intrahepatic cholestasis type 2. Identifiers: Orphanet 79304, MedGen C3489789, MONDO:0011156, OMIM 601847.

gnomAD v4.1: 1 of 1,573,650 alleles (0.000064%); highest among the groups gnomAD compares: Non-Finnish European, 0.000087%; no homozygotes.

Submissions (2):

Genomenon, Inc
Classification: Pathogenic for Familial intrahepatic cholestasis. Last evaluated: 2026-04-14. Review status: criteria provided, single submitter. Criteria: Genomenon Sequence Variant Interpretation Standards - Updated. Collection method: curation. Allele origin: germline. Affected: yes.
Comment: ABCB11 c.1084-2A>G is a canonical splice variant affecting the acceptor splice site of intron 10. It is predicted to affect mRNA splicing, leading to a deleterious effect on the ABCB11 protein. This variant has been observed in at least one proband with an ABCB11-related disorder (PMID:34828443). It is absent or not present at a significant frequency in gnomAD. In conclusion, we classify ABCB11 c.1084-2A>G as a pathogenic variant.

Broad Center for Mendelian Genomics, Broad Institute of MIT and Harvard
Classification: Pathogenic for Progressive familial intrahepatic cholestasis type 2. Last evaluated: 2025-01-29. Review status: criteria provided, single submitter. Criteria: ACMG Guidelines, 2015. Collection method: curation. Allele origin: germline. Inheritance: Autosomal recessive inheritance.
Comment: The c.1084-2A>G variant in ABCB11 has been reported, in the homozygous state, in one individual with BSEP deficiency (PMID: 34828443), and has been identified in 0.00009% (1/1144564) of European (non-Finnish) chromosomes by the Genome Aggregation Database (gnomAD). Although this variant has been seen in the general population in a heterozygous state, its frequency is low enough to be consistent with a recessive carrier frequency. This variant is located in the 5' splice region. SpliceAI predictions indicate use of an out-of-frame cryptic splice site 11 bases from the intron-exon boundary, providing evidence that this variant may cause a frameshift and lead to a premature termination codon downstream. This alteration is then predicted to lead to a truncated or absent protein. Loss of function of the ABCB11 gene is an established disease mechanism in autosomal recessive BSEP deficiency. In summary, this variant meets criteria to be classified as pathogenic for autosomal recessive BSEP deficiency. ACMG/AMP Criteria applied: PVS1, PM2_supporting, PM3_supporting (Richards 2015).

Literature cited by the submitters: PubMed 34828443 (cited by Genomenon, Inc).

NM_003742.4(ABCB11):c.1084-2A>G

Gene: ABCB11 (ATP binding cassette subfamily B member 11; minus strand). Cytogenetic location: 2q31.1.
Variant type: single nucleotide variant.
Coding change: c.1084-2A>G on transcript NM_003742.4 (MANE Select); the canonical splice acceptor site of the intron before coding-DNA position 1084, A replaced by G.
Molecular consequence: splice acceptor variant.
Genome position (GRCh38, 1-based): chr2:168,979,981, T>C on the plus strand (A>G on the coding strand, the complement: ABCB11 is on the minus strand). VCF-style: chr2-168979981-T-C. GRCh37 (hg19) VCF-style: chr2-169836491-T-C.
Other names: NM_003742.4:c.1084-2A>G.
Identifiers: ClinVar variation 3776870 (VCV003776870.2).